The following is an entry in ClinVar:

NM_001352514.2(HLCS):c.414C>T (p.Asp138=)

Gene: HLCS (holocarboxylase synthetase; minus strand). Cytogenetic location: 21q22.13.
Variant type: single nucleotide variant.
Coding change: c.414C>T on transcript NM_001352514.2 (MANE Select); coding-DNA position 414, C replaced by T.
Protein change: p.Asp138=; no amino-acid change (aspartic acid 138 retained).
Molecular consequence: synonymous variant. On other transcripts: 5 prime UTR variant (7), non-coding transcript variant (2).
Genome position (GRCh38, 1-based): chr21:36,938,911, G>A on the plus strand (C>T on the coding strand, the complement: HLCS is on the minus strand). VCF-style: chr21-36938911-G-A. GRCh37 (hg19) VCF-style: chr21-38311211-G-A.
Other names: c.-28C>T (NM_000411.8, NM_001242784.3, NM_001242785.2 and 4 more transcripts).
Identifiers: ClinVar variation 510734 (VCV000510734.1), dbSNP rs1555958227, ClinGen allele CA658799427.
Genomic context (GRCh38, chr21:36,938,911, plus strand): 5'-CAGTCCATTATCCATGTGGAGTCTATCTTCCATGAACGCCACCCCCAGCTTGCTGAAGTT[G>A]TCCACACTTGCTTCAGCAATTAGCCGATAAGGATCCCCAGGTCTGCAAGCTAATGGCAAA-3'
Protein context (NP_001339443.1, residues 128-148): PYRLIAEASV[Asp138=]NFSKLGVAFM

ClinVar aggregate classification (germline): Likely benign (1 of 4 stars; one submission).

Allele frequency attached by ClinVar (database versions not stated): gnomAD exomes below 0.00001.
gnomAD v4.1: 1 of 1,613,922 alleles (0.000062%); highest among the groups gnomAD compares: Non-Finnish European, 0.000085%; no homozygotes.

Submission:

GeneDx
Classification: Likely benign. Last evaluated: 2017-07-24. Review status: criteria provided, single submitter. Criteria: GeneDx Variant Classification (06012015). Collection method: clinical testing. Allele origin: germline. Affected: yes.
Comment: This variant is considered likely benign or benign based on one or more of the following criteria: it is a conservative change, it occurs at a poorly conserved position in the protein, it is predicted to be benign by multiple in silico algorithms, and/or has population frequency not consistent with disease.